The following is an entry in ClinVar:

NM_003128.3(SPTBN1):c.407A>T (p.His136Leu)

Gene: SPTBN1 (spectrin beta, non-erythrocytic 1; plus strand). Cytogenetic location: 2p16.2.
Variant type: single nucleotide variant.
Coding change: c.407A>T on transcript NM_003128.3 (MANE Select); coding-DNA position 407, A replaced by T.
Protein change: p.His136Leu; replaces histidine 136 with leucine.
Molecular consequence: missense variant.
Genome position (GRCh38, 1-based): chr2:54,612,267, A>T. VCF-style: chr2-54612267-A-T. GRCh37 (hg19) VCF-style: chr2-54839404-A-T.
Other names: c.368A>T, p.His123Leu (NM_178313.3); short protein forms H123L, H136L.
Identifiers: ClinVar variation 4084923 (VCV004084923.8).

ClinVar aggregate classification (germline): Uncertain significance (1 of 4 stars; one submission).

gnomAD v4.1: 1 of 1,614,128 alleles (0.000062%); highest among the groups gnomAD compares: Non-Finnish European, 0.000085%; no homozygotes.

Submission:

CeGaT Center for Human Genetics Tuebingen
Classification: Uncertain significance. Last evaluated: 2025-07-01. Review status: criteria provided, single submitter. Criteria: CeGaT Center For Human Genetics Tuebingen Variant Classification Criteria Version 2. Collection method: clinical testing. Allele origin: germline. Affected: yes. Observed: 1 variant allele.
Comment: SPTBN1: PM2:Supporting, PP2, PP3